The following is an entry in ClinVar:

ClinVar aggregate classification (germline): Uncertain significance. Review status: criteria provided, multiple submitters, no conflicts (2 of 4 stars). 3 submissions from 3 submitters: Uncertain significance (3). Last evaluated 2025-04-16.

Conditions:
Rhabdoid tumor predisposition syndrome 2 (RTPS2). Identifiers: Orphanet 231108, Orphanet 69077, MedGen C2750074, MONDO:0013224, OMIM 613325.
Hereditary cancer-predisposing syndrome. Also called: Hereditary Cancer Syndrome; Neoplastic Syndromes, Hereditary; Tumor predisposition; Hereditary neoplastic syndrome. Identifiers: Orphanet 140162, MedGen C0027672, MeSH D009386, MONDO:0015356.

Allele frequency attached by ClinVar (database versions not stated): gnomAD exomes below 0.00001.
gnomAD v4.1: 1 of 1,613,898 alleles (0.000062%); highest among the groups gnomAD compares: Non-Finnish European, 0.000085%; no homozygotes.

Submissions (3):

Ambry Genetics
Classification: Uncertain significance for Hereditary cancer-predisposing syndrome. Last evaluated: 2025-04-16. Review status: criteria provided, single submitter. Criteria: Ambry Variant Classification Scheme 2023. Collection method: clinical testing. Allele origin: germline.
Comment: The p.S1622P variant (also known as c.4864T>C), located in coding exon 33 of the SMARCA4 gene, results from a T to C substitution at nucleotide position 4864. The serine at codon 1622 is replaced by proline, an amino acid with similar properties. This amino acid position is well conserved in available vertebrate species. In addition, the in silico prediction for this alteration is inconclusive. Based on the available evidence, the clinical significance of this variant remains unclear.

Labcorp Genetics (formerly Invitae), Labcorp
Classification: Uncertain significance for Rhabdoid tumor predisposition syndrome 2. Last evaluated: 2023-11-30. Review status: criteria provided, single submitter. Criteria: Invitae Variant Classification Sherloc (09022015). Collection method: clinical testing. Allele origin: germline.
Comment: This sequence change replaces serine, which is neutral and polar, with proline, which is neutral and non-polar, at codon 1622 of the SMARCA4 protein (p.Ser1622Pro). This variant is not present in population databases (gnomAD no frequency). This variant has not been reported in the literature in individuals affected with SMARCA4-related conditions. ClinVar contains an entry for this variant (Variation ID: 480687). An algorithm developed to predict the effect of missense changes on protein structure and function (PolyPhen-2) suggests that this variant¬†is likely to be tolerated. In summary, the available evidence is currently insufficient to determine the role of this variant in disease. Therefore, it has been classified as a Variant of Uncertain Significance.

Baylor Genetics
Classification: Uncertain significance for Rhabdoid tumor predisposition syndrome 2. Last evaluated: 2023-10-12. Review status: criteria provided, single submitter. Criteria: ACMG Guidelines, 2015. Collection method: clinical testing. Allele origin: unknown.

NM_003072.5(SMARCA4):c.4768T>C (p.Ser1590Pro)

Gene: SMARCA4 (SWI/SNF related BAF chromatin remodeling complex subunit ATPase 4; plus strand). Cytogenetic location: 19p13.2.
Variant type: single nucleotide variant.
Coding change: c.4768T>C on transcript NM_003072.5 (MANE Select); coding-DNA position 4768, T replaced by C.
Protein change: p.Ser1590Pro; replaces serine 1590 with proline.
Molecular consequence: missense variant. On other transcripts: non-coding transcript variant (1).
Genome position (GRCh38, 1-based): chr19:11,059,885, T>C. VCF-style: chr19-11059885-T-C. GRCh37 (hg19) VCF-style: chr19-11170561-T-C.
Other names: c.4768T>C, p.Ser1590Pro (NM_001128844.3); c.4678T>C, p.Ser1560Pro (NM_001128845.2); c.4675T>C, p.Ser1559Pro (NM_001128846.2); c.4669T>C, p.Ser1557Pro (NM_001128847.4, NM_001374457.1); c.4666T>C, p.Ser1556Pro (NM_001128848.2); c.4864T>C, p.Ser1622Pro (NM_001128849.3, NM_001387283.1); short protein forms S1622P, S1557P, S1590P, S1560P, S1556P, S1559P.
Identifiers: ClinVar variation 480687 (VCV000480687.11), dbSNP rs1555796035, ClinGen allele CA404079950.